The following is an entry in ClinVar:

NM_020911.2(PLXNA4):c.1915T>G (p.Ser639Ala)

Gene: PLXNA4 (plexin A4; minus strand). Cytogenetic location: 7q32.3.
Variant type: single nucleotide variant.
Coding change: c.1915T>G on transcript NM_020911.2 (MANE Select); coding-DNA position 1915, T replaced by G.
Protein change: p.Ser639Ala; replaces serine 639 with alanine.
Molecular consequence: missense variant.
Genome position (GRCh38, 1-based): chr7:132,226,228, A>C on the plus strand (T>G on the coding strand, the complement: PLXNA4 is on the minus strand). VCF-style: chr7-132226228-A-C. GRCh37 (hg19) VCF-style: chr7-131910987-A-C.
Other names: c.1915T>G, p.Ser639Ala (NM_001393897.1); short protein forms S639A.
Identifiers: ClinVar variation 2634072 (VCV002634072.4), dbSNP rs201667935, ClinGen allele CA4489952.

ClinVar aggregate classification (germline): Uncertain significance. Review status: criteria provided, multiple submitters, no conflicts (2 of 4 stars). 2 submissions from 2 submitters: Uncertain significance (2). Last evaluated 2026-08-29.

Conditions:
PLXNA4-related disorder. Also called: PLXNA4-related condition.

Allele frequency attached by ClinVar (database versions not stated): gnomAD 0.00005; TOPMed 0.00007; ExAC 0.00018; gnomAD exomes 0.00022.
gnomAD v4.1: 321 of 1,613,706 alleles (0.02%); highest among the groups gnomAD compares: Non-Finnish European, 0.024%; no homozygotes.

Submissions (2):

PreventionGenetics, part of Exact Sciences
Classification: Uncertain significance for PLXNA4-related condition. Last evaluated: 2026-08-29. Review status: criteria provided, single submitter. Criteria: ACMG Guidelines, 2015. Collection method: clinical testing. Allele origin: germline.
Comment: The PLXNA4 c.1915T>G variant is predicted to result in the amino acid substitution p.Ser639Ala. To our knowledge, this variant has not been reported in the literature. This variant is reported in 0.036% of alleles in individuals of European (Finnish) descent in gnomAD. At this time, the clinical significance of this variant is uncertain due to the absence of conclusive functional and genetic evidence.

Ambry Genetics
Classification: Uncertain significance. Last evaluated: 2025-05-14. Review status: criteria provided, single submitter. Criteria: Ambry Variant Classification Scheme 2023. Collection method: clinical testing. Allele origin: germline.